The following is an entry in ClinVar:

ClinVar aggregate classification (germline): Uncertain significance. Review status: criteria provided, multiple submitters, no conflicts (2 of 4 stars). 2 submissions from 2 submitters: Uncertain significance (2). Last evaluated 2024-03-07.

Allele frequency attached by ClinVar (database versions not stated): TOPMed 0.00003; gnomAD 0.00010.
gnomAD v4.1: 59 of 1,613,714 alleles (0.0037%); highest among the groups gnomAD compares: South Asian, 0.016%; no homozygotes.

Submissions (2):

Ambry Genetics
Classification: Uncertain significance. Last evaluated: 2024-03-07. Review status: criteria provided, single submitter. Criteria: Ambry Variant Classification Scheme 2023. Collection method: clinical testing. Allele origin: germline.

GeneDx
Classification: Uncertain significance. Last evaluated: 2015-08-14. Review status: criteria provided, single submitter. Criteria: GeneDx Variant Classification (06012015). Collection method: clinical testing. Allele origin: germline. Affected: yes.
Comment: The R149W variant in the CDH15 gene has not been published as a pathogenic variant, nor has it been reported as a benign polymorphism to our knowledge. The R149W variant was not observed in approximately 6,500 individuals of European and African American ancestry in the NHLBI Exome Sequencing Project, indicating it is not a common benign variant in these populations. The R149W variant is a non-conservative amino acid substitution, which is likely to impact secondary protein structure as these residues differ in polarity, charge, size and/or other properties. This substitution occurs at a position within the Cadherin 1 and extracellular domains that is conserved across species. In silico analysis is inconsistent in its predictions as to whether or not the variant is damaging to the protein structure/function. We interpret R149W as a variant of unknown significance.

NM_004933.3(CDH15):c.445C>T (p.Arg149Trp)

Gene: CDH15 (cadherin 15; plus strand). Cytogenetic location: 16q24.3.
Variant type: single nucleotide variant.
Coding change: c.445C>T on transcript NM_004933.3 (MANE Select); coding-DNA position 445, C replaced by T.
Protein change: p.Arg149Trp; replaces arginine 149 with tryptophan.
Molecular consequence: missense variant.
Genome position (GRCh38, 1-based): chr16:89,183,635, C>T. VCF-style: chr16-89183635-C-T. GRCh37 (hg19) VCF-style: chr16-89250043-C-T.
Other names: short protein forms R149W.
Identifiers: ClinVar variation 279742 (VCV000279742.3), dbSNP rs200102166, ClinGen allele CA8238833.